The following is an entry in ClinVar:

NM_000350.3(ABCA4):c.6712_6713insTGAGTACCACAC (p.Thr2237_Gln2238insLeuSerThrThr)

Gene: ABCA4 (ATP binding cassette subfamily A member 4; minus strand). Cytogenetic location: 1p22.1.
Variant type: Microsatellite.
Coding change: c.6712_6713insTGAGTACCACAC on transcript NM_000350.3 (MANE Select); coding-DNA positions 6712 to 6713, TGAGTACCACAC inserted.
Protein change: p.Thr2237_Gln2238insLeuSerThrThr.
Genome position: GRCh38 VCF-style: chr1-93997877-T-TGTGTGGTACTCA. GRCh37 (hg19) VCF-style: chr1-94463433-T-TGTGTGGTACTCA.
Other names: c.6490_6491insTGAGTACCACAC, p.Thr2163_Gln2164insLeuSerThrThr (NM_001425324.1).
Identifiers: ClinVar variation 3652843 (VCV003652843.3).

ClinVar aggregate classification (germline): Uncertain significance. Review status: criteria provided, multiple submitters, no conflicts (2 of 4 stars). 2 submissions from 2 submitters: Uncertain significance (2). Last evaluated 2024-07-10.

Submissions (2):

Blueprint Genetics
Classification: Uncertain significance. Last evaluated: 2024-07-10. Review status: criteria provided, single submitter. Criteria: ACMG Guidelines, 2015. Collection method: clinical testing. Allele origin: germline.

Labcorp Genetics (formerly Invitae), Labcorp
Classification: Uncertain significance. Last evaluated: 2024-05-09. Review status: criteria provided, single submitter. Criteria: Invitae Variant Classification Sherloc (09022015). Collection method: clinical testing. Allele origin: germline.
Comment: This variant, c.6712_6713insTGAGTACCACAC, results in the insertion of 4 amino acid(s) of the ABCA4 protein (p.Thr2237_Gln2238insLeuSerThrThr), but otherwise preserves the integrity of the reading frame. This variant is not present in population databases (gnomAD no frequency). This variant has not been reported in the literature in individuals affected with ABCA4-related conditions. In summary, the available evidence is currently insufficient to determine the role of this variant in disease. Therefore, it has been classified as a Variant of Uncertain Significance.